The following is an entry in ClinVar:

ClinVar aggregate classification (germline): Likely benign. Review status: criteria provided, multiple submitters, no conflicts (2 of 4 stars). 2 submissions from 2 submitters: Likely benign (2). Last evaluated 2026-07-02.

Conditions:
LOXL3-related disorder. Also called: LOXL3-related condition.

Allele frequency attached by ClinVar (database versions not stated): TOPMed 0.00002; 1000 Genomes Project 30x 0.00016; 1000 Genomes Project 0.00020; gnomAD exomes below 0.00001; ExAC 0.00001; gnomAD 0.00002.
gnomAD v4.1: 5 of 1,611,388 alleles (0.00031%); highest among the groups gnomAD compares: East Asian, 0.0067%; no homozygotes.

Submissions (2):

PreventionGenetics, part of Exact Sciences
Classification: Likely benign for LOXL3-related condition. Last evaluated: 2026-07-02. Review status: criteria provided, single submitter. Criteria: ACMG Guidelines, 2015. Collection method: clinical testing. Allele origin: germline.
Comment: This variant is classified as likely benign based on ACMG/AMP sequence variant interpretation guidelines (Richards et al. 2015 PMID: 25741868, with internal and published modifications).

Labcorp Genetics (formerly Invitae), Labcorp
Classification: Likely benign. Last evaluated: 2023-10-05. Review status: criteria provided, single submitter. Criteria: Invitae Variant Classification Sherloc (09022015). Collection method: clinical testing. Allele origin: germline.

NM_032603.5(LOXL3):c.913-4A>G

Gene: LOXL3 (lysyl oxidase like 3; minus strand). Cytogenetic location: 2p13.1.
Variant type: single nucleotide variant.
Coding change: c.913-4A>G on transcript NM_032603.5 (MANE Select); 4 bases into the intron before coding-DNA position 913, A replaced by G.
Molecular consequence: intron variant.
Genome position (GRCh38, 1-based): chr2:74,536,475, T>C on the plus strand (A>G on the coding strand, the complement: LOXL3 is on the minus strand). VCF-style: chr2-74536475-T-C. GRCh37 (hg19) VCF-style: chr2-74763602-T-C.
Other names: c.913-4A>G (NM_032603.4); c.478-4A>G (NM_001289164.3); c.-171-4A>G (NM_001289165.2).
Identifiers: ClinVar variation 1925760 (VCV001925760.6), dbSNP rs201206672, ClinGen allele CA1729032.